The following is an entry in ClinVar:

ClinVar aggregate classification (germline): Likely benign. Review status: criteria provided, multiple submitters, no conflicts (2 of 4 stars). 2 submissions from 2 submitters: Likely benign (2). Last evaluated 2024-12-23.

Conditions:
Renal cell carcinoma. Identifiers: Orphanet 217071, MedGen C0007134, MeSH D002292, MONDO:0005086, HP:0005584.
Papillary renal cell carcinoma type 1 (RCCP1). Also called: RENAL CELL CARCINOMA, PAPILLARY, 1, SOMATIC; Renal adenocarcinoma; Renal cell carcinoma 1; Renal cell carcinoma, somatic. Identifiers: Orphanet 47044, MedGen C1336839, OMIM 605074, HP:0011797.

Allele frequency attached by ClinVar (database versions not stated): gnomAD exomes below 0.00001 and 0.00001; ExAC 0.00002.
gnomAD v4.1: 12 of 1,613,516 alleles (0.00074%); highest among the groups gnomAD compares: Non-Finnish European, 0.001%; no homozygotes.

Submissions (2):

Labcorp Genetics (formerly Invitae), Labcorp
Classification: Likely benign for Renal cell carcinoma. Last evaluated: 2024-12-23. Review status: criteria provided, single submitter. Criteria: Invitae Variant Classification Sherloc (09022015). Collection method: clinical testing. Allele origin: germline.

Myriad Genetics, Inc.
Classification: Likely benign for Papillary renal cell carcinoma type 1. Last evaluated: 2024-11-12. Review status: criteria provided, single submitter. Criteria: Myriad Autosomal Dominant, Autosomal Recessive and X-Linked Classification Criteria (2023). Collection method: clinical testing. Allele origin: unknown.
Comment: This variant is considered likely benign. This variant is intronic and is not expected to impact mRNA splicing.

NM_000245.4(MET):c.3028+10A>G

Gene: MET (MET proto-oncogene, receptor tyrosine kinase; plus strand). Cytogenetic location: 7q31.2.
Variant type: single nucleotide variant.
Coding change: c.3028+10A>G on transcript NM_000245.4 (MANE Select); 10 bases into the intron after coding-DNA position 3028, A replaced by G.
Molecular consequence: intron variant.
Genome position (GRCh38, 1-based): chr7:116,771,999, A>G. VCF-style: chr7-116771999-A-G. GRCh37 (hg19) VCF-style: chr7-116412053-A-G.
Other names: c.3082+10A>G (NM_001127500.3); c.1738+10A>G (NM_001324402.2).
Identifiers: ClinVar variation 701619 (VCV000701619.11), dbSNP rs763648816, ClinGen allele CA4448626.